The following is an entry in ClinVar:

ClinVar aggregate classification (germline): Uncertain significance (1 of 4 stars; one submission).

Conditions:
Dilated cardiomyopathy 1JJ (CMD1JJ). Identifiers: Orphanet 154, MedGen C3808935, MONDO:0014095, OMIM 615235.

Submission:

Labcorp Genetics (formerly Invitae), Labcorp
Classification: Uncertain significance for Dilated cardiomyopathy 1JJ. Last evaluated: 2023-05-16. Review status: criteria provided, single submitter. Criteria: Invitae Variant Classification Sherloc (09022015). Collection method: clinical testing. Allele origin: germline.
Comment: In summary, the available evidence is currently insufficient to determine the role of this variant in disease. Therefore, it has been classified as a Variant of Uncertain Significance. Algorithms developed to predict the effect of sequence changes on RNA splicing suggest that this variant may disrupt the consensus splice site. This variant has not been reported in the literature in individuals affected with LAMA4-related conditions. This variant is not present in population databases (gnomAD no frequency). This sequence change falls in intron 17 of the LAMA4 gene. It does not directly change the encoded amino acid sequence of the LAMA4 protein.

NM_001105206.3(LAMA4):c.2174-5del

Gene: LAMA4 (laminin subunit alpha 4; minus strand). Cytogenetic location: 6q21.
Variant type: Deletion.
Coding change: c.2174-5del on transcript NM_001105206.3 (MANE Select); 5 bases into the intron before coding-DNA position 2174, one base deleted (T; older notation c.2174-5delT).
Molecular consequence: intron variant.
Genome position (GRCh38, 1-based): chr6:112,148,341, A deleted on the plus strand (T on the coding strand, the reverse complement: LAMA4 is on the minus strand). VCF-style (leftmost placement, unchanged base first): chr6-112148340-TA-T. GRCh37 (hg19) VCF-style: chr6-112469542-TA-T.
Other names: c.2153-5del (NM_002290.5, NM_001105207.3).
Identifiers: ClinVar variation 2801090 (VCV002801090.3), dbSNP rs2547045332, ClinGen allele CA2739266053.